The following is an entry in ClinVar:

ClinVar aggregate classification (germline): Pathogenic (1 of 4 stars; one submission).

Submission:

Labcorp Genetics (formerly Invitae), Labcorp
Classification: Pathogenic. Last evaluated: 2024-01-03. Review status: criteria provided, single submitter. Criteria: Invitae Variant Classification Sherloc (09022015). Collection method: clinical testing. Allele origin: germline.
Comment: This sequence change creates a premature translational stop signal (p.Thr274Asnfs*21) in the GORAB gene. While this is not anticipated to result in nonsense mediated decay, it is expected to disrupt the last 121 amino acid(s) of the GORAB protein. This variant is not present in population databases (gnomAD no frequency). This variant has not been reported in the literature in individuals affected with GORAB-related conditions. This variant disrupts a region of the GORAB protein in which other variant(s) (p.Arg287*) have been determined to be pathogenic (PMID: 18997784, 31829210). This suggests that this is a clinically significant region of the protein, and that variants that disrupt it are likely to be disease-causing. For these reasons, this variant has been classified as Pathogenic.

Literature cited by the submitters: PubMed 18997784; PubMed 31829210.

NM_152281.3(GORAB):c.744_747del (p.Thr249fs)

Gene: GORAB (golgin, RAB6 interacting; plus strand). Cytogenetic location: 1q24.2.
Variant type: Deletion.
Coding change: c.744_747del on transcript NM_152281.3 (MANE Select); coding-DNA positions 744 to 747, 4 bases deleted (CACT; older notation c.744_747delCACT).
Protein change: p.Thr249fs; shifts the reading frame from threonine 249.
Molecular consequence: frameshift variant. On other transcripts: non-coding transcript variant (1).
Genome position (GRCh38, 1-based): chr1:170,552,096-170,552,099, CACT deleted; deleting any 4 consecutive bases within chr1:170,552,093-170,552,099 gives the same sequence; the c. name uses the placement nearest the transcript's 3' end. VCF-style (leftmost placement, unchanged base first): chr1-170552092-AACTC-A. GRCh37 (hg19) VCF-style: chr1-170521233-AACTC-A.
Other names: c.279_282del, p.Thr94fs (NM_001320252.2); c.693_696del, p.Thr232fs (NM_001410894.1); short protein forms T232fs, T249fs, T94fs.
Identifiers: ClinVar variation 2958872 (VCV002958872.3), dbSNP rs1650151137, ClinGen allele CA1206556251.